The following is an entry in ClinVar:

NM_004525.3(LRP2):c.13694C>T (p.Thr4565Ile)

Gene: LRP2 (LDL receptor related protein 2; minus strand). Cytogenetic location: 2q31.1.
Variant type: single nucleotide variant.
Coding change: c.13694C>T on transcript NM_004525.3 (MANE Select); coding-DNA position 13694, C replaced by T.
Protein change: p.Thr4565Ile; replaces threonine 4565 with isoleucine.
Molecular consequence: missense variant.
Genome position (GRCh38, 1-based): chr2:169,132,608, G>A on the plus strand (C>T on the coding strand, the complement: LRP2 is on the minus strand). VCF-style: chr2-169132608-G-A. GRCh37 (hg19) VCF-style: chr2-169989118-G-A.
Other names: c.13694C>T (NM_004525.2); short protein forms T4565I.
Identifiers: ClinVar variation 1931717 (VCV001931717.6), dbSNP rs1316250834, ClinGen allele CA349150725.

ClinVar aggregate classification (germline): Uncertain significance. Review status: criteria provided, multiple submitters, no conflicts (2 of 4 stars). 2 submissions from 2 submitters: Uncertain significance (2). Last evaluated 2025-10-16.

Conditions:
Inborn genetic diseases. Identifiers: MedGen C0950123, MeSH D030342.

Allele frequency attached by ClinVar (database versions not stated): gnomAD exomes below 0.00001.
gnomAD v4.1: 4 of 1,610,690 alleles (0.00025%); highest among the groups gnomAD compares: Admixed American, 0.0067%; no homozygotes.

Submissions (2):

Labcorp Genetics (formerly Invitae), Labcorp
Classification: Uncertain significance. Last evaluated: 2025-10-16. Review status: criteria provided, single submitter. Criteria: Invitae Variant Classification Sherloc (09022015). Collection method: clinical testing. Allele origin: germline.
Comment: This sequence change replaces threonine, which is neutral and polar, with isoleucine, which is neutral and non-polar, at codon 4565 of the LRP2 protein (p.Thr4565Ile). This variant is present in population databases (no rsID available, gnomAD 0.009%). This variant has not been reported in the literature in individuals affected with LRP2-related conditions. ClinVar contains an entry for this variant (Variation ID: 1931717). Invitae Evidence Modeling of protein sequence and biophysical properties (such as structural, functional, and spatial information, amino acid conservation, physicochemical variation, residue mobility, and thermodynamic stability) indicates that this missense variant is not expected to disrupt LRP2 protein function with a negative predictive value of 95%. In summary, the available evidence is currently insufficient to determine the role of this variant in disease. Therefore, it has been classified as a Variant of Uncertain Significance.

Ambry Genetics
Classification: Uncertain significance for Inborn genetic diseases. Last evaluated: 2024-07-27. Review status: criteria provided, single submitter. Criteria: Ambry Variant Classification Scheme 2023. Collection method: clinical testing. Allele origin: germline.